The following is an entry in ClinVar:

ClinVar aggregate classification (germline): Uncertain significance. Review status: criteria provided, multiple submitters, no conflicts (2 of 4 stars). 2 submissions from 2 submitters: Uncertain significance (2). Last evaluated 2024-04-10.

Submissions (2):

Mayo Clinic Laboratories, Mayo Clinic
Classification: Uncertain significance. Last evaluated: 2024-04-10. Review status: criteria provided, single submitter. Criteria: ACMG Guidelines, 2015. Collection method: clinical testing. Allele origin: germline. Observed: 1 variant allele.
Comment: PP3, PM2_moderate

GeneDx
Classification: Uncertain significance. Last evaluated: 2023-10-20. Review status: criteria provided, single submitter. Criteria: GeneDx Variant Classification Process June 2021. Collection method: clinical testing. Allele origin: germline. Affected: yes.
Comment: Not observed at significant frequency in large population cohorts (gnomAD); In silico analysis supports that this missense variant has a deleterious effect on protein structure/function; Has not been previously published as pathogenic or benign to our knowledge

NM_018122.5(DARS2):c.149G>A (p.Arg50Gln)

Gene: DARS2 (aspartyl-tRNA synthetase 2, mitochondrial; plus strand). Cytogenetic location: 1q25.1.
Variant type: single nucleotide variant.
Coding change: c.149G>A on transcript NM_018122.5 (MANE Select); coding-DNA position 149, G replaced by A.
Protein change: p.Arg50Gln; replaces arginine 50 with glutamine.
Molecular consequence: missense variant.
Genome position (GRCh38, 1-based): chr1:173,826,708, G>A. VCF-style: chr1-173826708-G-A. GRCh37 (hg19) VCF-style: chr1-173795846-G-A.
Other names: p.Arg50Gln; c.149G>A, p.Arg50Gln (NM_001365212.1, NM_001365213.2); short protein forms R50Q.
Identifiers: ClinVar variation 3338768 (VCV003338768.2).